The following is an entry in ClinVar:

NM_020774.4(MIB1):c.2878C>T (p.Gln960Ter)

Gene: MIB1 (MIB E3 ubiquitin protein ligase 1; plus strand). Cytogenetic location: 18q11.2.
Variant type: single nucleotide variant.
Coding change: c.2878C>T on transcript NM_020774.4 (MANE Select); coding-DNA position 2878, C replaced by T.
Protein change: p.Gln960Ter; replaces glutamine 960 with a stop codon.
Molecular consequence: nonsense.
Genome position (GRCh38, 1-based): chr18:21,858,644, C>T. VCF-style: chr18-21858644-C-T. GRCh37 (hg19) VCF-style: chr18-19438605-C-T.
Other names: short protein forms Q960*.
Identifiers: ClinVar variation 1028190 (VCV001028190.1), dbSNP rs1430105900, ClinGen allele CA401797922.

ClinVar aggregate classification (germline): Likely pathogenic (1 of 4 stars; one submission).

Conditions:
Left ventricular noncompaction 7 (LVNC7). Identifiers: Orphanet 54260, MedGen C3554496, MONDO:0014042, OMIM 615092.

Submission:

Baylor Genetics
Classification: Likely pathogenic for Left ventricular noncompaction 7. Last evaluated: 2019-11-06. Review status: criteria provided, single submitter. Criteria: ACMG Guidelines, 2015. Collection method: clinical testing. Allele origin: unknown. Affected: yes.
Comment: This variant was determined to be likely pathogenic according to ACMG Guidelines, 2015 [PMID:25741868].